The following is an entry in ClinVar:

ClinVar aggregate classification (germline): Pathogenic. Review status: reviewed by expert panel (3 of 4 stars). 3 submissions from 3 submitters: Pathogenic (1). 2 of the submissions do not count toward it. Last evaluated 2016-10-18.

Conditions:
Hereditary cancer-predisposing syndrome. Also called: Hereditary Cancer Syndrome; Neoplastic Syndromes, Hereditary; Hereditary neoplastic syndrome; Tumor predisposition. Identifiers: Orphanet 140162, MedGen C0027672, MeSH D009386, MONDO:0015356.
Breast-ovarian cancer, familial, susceptibility to, 1 (BROVCA1). Also called: BRCA1 Hereditary Breast and Ovarian Cancer; OVARIAN CANCER, SUSCEPTIBILITY TO. Identifiers: Orphanet 145, MedGen C2676676, MONDO:0011450, OMIM 604370. Disease mechanism: loss of function.

Submissions (3):

Evidence-based Network for the Interpretation of Germline Mutant Alleles (ENIGMA)
Classification: Pathogenic for Breast-ovarian cancer, familial, susceptibility to, 1. Last evaluated: 2016-10-18. Review status: reviewed by expert panel. Criteria: ENIGMA BRCA1/2 Classification Criteria (2015). Collection method: curation. Allele origin: germline.
Comment: Variant allele predicted to encode a truncated non-functional protein.

Molecular Diagnostics Laboratory, Catalan Institute of Oncology
Classification: Pathogenic for Hereditary cancer-predisposing syndrome. Last evaluated: 2025-05-11. Review status: criteria provided, single submitter. Criteria: ClinGen BRCA1BRCA2 ACMG Specifications BRCA1 V1.0.0. Collection method: clinical testing. Allele origin: germline. Not counted in ClinVar's aggregate classification.
Comment: PVS1, PM2_Supporting, PM5_PTC_Strong c.4309del, located in exon 12 of the BRCA1 gene, consists in the deletion of 1 nucleotide, causing a translational frameshift with a predicted alternate stop codon (p.(Ser1437Leufs*19)). This alteration is expected to result in loss of function by premature protein truncation and nonsense-mediated mRNA decay (PVS1, PM5_PTC_Strong). It is not present in the population database gnomAD v2.1.1, non cancer dataset (PM2_supporting). The SpliceAI algorithm predicts no significant impact on splicing. To our knowledge, neither multifactorial analysis nor well-stablished functional studies have been reported for this variant. It has been reported as a pathogenic variant in the following databases: BRCA Exchange, ClinVar and LOVD. Based on the currently available information, c.4309del is classified as a pathogenic variant according to ClinGen-BRCA1 Guidelines version 1.

Consortium of Investigators of Modifiers of BRCA1/2 (CIMBA), c/o University of Cambridge
Classification: Pathogenic for Breast-ovarian cancer, familial, susceptibility to, 1. Last evaluated: 2015-10-02. Review status: criteria provided, single submitter. Criteria: CIMBA Mutation Classification guidelines May 2016. Collection method: clinical testing. Allele origin: germline. Not counted in ClinVar's aggregate classification.

NM_007294.4(BRCA1):c.4309del (p.Ser1437fs)

Gene: BRCA1 (BRCA1 DNA repair associated; minus strand). Cytogenetic location: 17q21.31.
Variant type: Deletion.
Coding change: c.4309del on transcript NM_007294.4 (MANE Select); coding-DNA position 4309, one base deleted (T; older notation c.4309delT).
Protein change: p.Ser1437fs; shifts the reading frame from serine 1437.
Molecular consequence: frameshift variant. On other transcripts: non-coding transcript variant (1).
Genome position (GRCh38, 1-based): chr17:43,082,452, A deleted on the plus strand (T on the coding strand, the reverse complement: BRCA1 is on the minus strand); the first of 2 consecutive A bases (chr17:43,082,452-43,082,453); deleting either gives the same sequence. VCF-style (leftmost placement, unchanged base first): chr17-43082451-GA-G. GRCh37 (hg19) VCF-style: chr17-41234468-GA-G.
Other names: 4428delT; c.4044delT, p.Ser1349Leufs (NM_001407928.1, NM_001407929.1, NM_001407920.1 and 7 more transcripts); c.4041delT, p.Ser1348Leufs (NM_001407930.1, NM_001407931.1, NM_001407932.1 and 3 more transcripts); c.4038delT, p.Ser1347Leufs (NM_001407934.1); c.4185delT, p.Ser1396Leufs (NM_001407937.1, NM_001407938.1, NM_001407939.1 and 13 more transcripts); c.4182delT, p.Ser1395Leufs (NM_001407940.1, NM_001407941.1, NM_001407649.1 and 12 more transcripts); c.4167delT, p.Ser1390Leufs (NM_001407942.1, NM_001407944.1, NM_001407945.1 and 22 more transcripts); c.4164delT, p.Ser1389Leufs (NM_001407943.1, NM_001407964.1, NM_001407740.1 and 23 more transcripts); and 55 more; short protein forms S1390fs, S1437fs, S334fs.
Identifiers: ClinVar variation 266468 (VCV000266468.7), dbSNP rs886040223, ClinGen allele CA10589670.
Genomic context (GRCh38, chr17:43,082,451, plus strand): 5'-CAACAATACACACCTTTTTCTGATGTGCTTTGTTCTGGATTTCGCAGGTCCTCAAGGGCA[GA>G]AGAGTCACTTATGATGGAAGGGTAGCTGTTAGAAGGCTGGCTCCCATGCTGTTCTAACAC-3'